The following is an entry in ClinVar:

NM_000492.4(CFTR):c.3492del (p.Phe1164fs)

Genes: CFTR-AS2 (CFTR antisense RNA 2; minus strand), CFTR (CF transmembrane conductance regulator; plus strand). Cytogenetic location: 7q31.2.
Variant type: Deletion.
Coding change: c.3492del on transcript NM_000492.4 (MANE Select); coding-DNA position 3492, one base deleted (T; older notation c.3492delT).
Protein change: p.Phe1164fs; shifts the reading frame from phenylalanine 1164.
Molecular consequence: frameshift variant.
Genome position (GRCh38, 1-based): chr7:117,627,545, T deleted; the last of 3 consecutive T bases (chr7:117,627,543-117,627,545); deleting any one gives the same sequence. VCF-style (leftmost placement, unchanged base first): chr7-117627542-CT-C. GRCh37 (hg19) VCF-style: chr7-117267596-CT-C.
Other names: c.3492del (NM_000492.3); short protein forms F1164fs.
Identifiers: ClinVar variation 2680719 (VCV002680719.3), dbSNP rs387906379, ClinGen allele CA2695199623.

ClinVar aggregate classification (germline): Likely pathogenic. Review status: criteria provided, multiple submitters, no conflicts (2 of 4 stars). 2 submissions from 2 submitters: Likely pathogenic (2). Last evaluated 2025-05-14.

Conditions:
CFTR-related disorder (CFTR-RD). Also called: CFTR-related disorders; CFTR-related condition. Identifiers: MedGen C5924204, MONDO:7770004.
Bronchiectasis with or without elevated sweat chloride 1 (BESC1). Also called: Cystic Fibrosis-Like Syndrome. Identifiers: Orphanet 60033, MedGen C2749757, MONDO:0008887, OMIM 211400.

Submissions (2):

Natera, Inc.
Classification: Likely pathogenic for CFTR-related disorders. Last evaluated: 2025-05-14. Review status: criteria provided, single submitter. Criteria: Natera Variant Classification Schema (03/2026). Collection method: clinical testing. Allele origin: germline.
Comment: The c.3492del variant in CFTR is a frameshift variant predicted to shift the reading frame beginning at codon 1164 and leads to a stop codon 28 codons downstream. This variant is expected to result in nonsense mediated decay, truncation, or a dysfunctional protein product. This variant is rare in the general population with a frequency below the threshold expected for the associated phenotype(s). Given the available evidence, this variant is classified as Likely Pathogenic.

Baylor Genetics
Classification: Likely pathogenic for Bronchiectasis with or without elevated sweat chloride 1. Last evaluated: 2023-02-08. Review status: criteria provided, single submitter. Criteria: ACMG Guidelines, 2015. Collection method: clinical testing. Allele origin: unknown.